The following is an entry in ClinVar:

ClinVar aggregate classification (germline): Uncertain significance (1 of 4 stars; one submission).

Conditions:
Angelman syndrome (AS). Also called: HAPPY PUPPET SYNDROME. Identifiers: Orphanet 72, MedGen C0162635, MONDO:0007113, OMIM 105830. Disease mechanism: loss of function. Inheritance: AS is caused by disruption of maternally imprinted UBE3A located within the 15q11.2-q13 Angelman syndrome/Prader-Willi syndrome (AS/PWS) region., imprinting disorder.

Submission:

Laboratorio de Genetica e Diagnostico Molecular, Hospital Israelita Albert Einstein
Classification: Uncertain significance for Angelman syndrome. Last evaluated: 2024-09-29. Review status: criteria provided, single submitter. Criteria: ACMG Guidelines, 2015. Collection method: clinical testing. Allele origin: germline. Affected: yes.
Comment: ACMG classification criteria: PM2 supporting, PP2 supporting, BP4 supporting

NM_130839.5(UBE3A):c.931A>T (p.Ser311Cys)

Genes: SNHG14 (small nucleolar RNA host gene 14; plus strand), UBE3A (ubiquitin protein ligase E3A; minus strand). Cytogenetic location: 15q11.2.
Variant type: single nucleotide variant.
Coding change: c.931A>T on transcript NM_130839.5 (MANE Select); coding-DNA position 931, A replaced by T.
Protein change: p.Ser311Cys; replaces serine 311 with cysteine.
Molecular consequence: missense variant. On other transcripts: non-coding transcript variant (1), intron variant (2).
Genome position (GRCh38, 1-based): chr15:25,371,243, T>A on the plus strand (A>T on the coding strand, the complement: UBE3A is on the minus strand). VCF-style: chr15-25371243-T-A. GRCh37 (hg19) VCF-style: chr15-25616390-T-A.
Other names: c.940A>T, p.Ser314Cys (NM_000462.5); c.931A>T, p.Ser311Cys (NM_001354505.1, NM_001354538.2, NM_001354545.2); c.871A>T, p.Ser291Cys (NM_001354506.2, NM_001354507.2, NM_001354508.2 and 17 more transcripts); c.754A>T, p.Ser252Cys (NM_001354546.2); c.301+4222A>T (NM_001354551.2); c.361+4222A>T (NM_001354550.2); short protein forms S252C, S291C, S311C, S314C.
Identifiers: ClinVar variation 4076289 (VCV004076289.1).